The following is an entry in ClinVar:

ClinVar aggregate classification (germline): Uncertain significance. Review status: criteria provided, multiple submitters, no conflicts (2 of 4 stars). 2 submissions from 2 submitters: Uncertain significance (2). Last evaluated 2024-12-28.

Conditions:
Inborn genetic diseases. Identifiers: MedGen C0950123, MeSH D030342.

Allele frequency attached by ClinVar (database versions not stated): TOPMed below 0.00001; gnomAD exomes 0.00002; ExAC 0.00007.

Submissions (2):

Ambry Genetics
Classification: Uncertain significance for Inborn genetic diseases. Last evaluated: 2024-12-28. Review status: criteria provided, single submitter. Criteria: Ambry Variant Classification Scheme 2023. Collection method: clinical testing. Allele origin: germline.

Labcorp Genetics (formerly Invitae), Labcorp
Classification: Uncertain significance. Last evaluated: 2023-04-30. Review status: criteria provided, single submitter. Criteria: Invitae Variant Classification Sherloc (09022015). Collection method: clinical testing. Allele origin: germline.
Comment: In summary, the available evidence is currently insufficient to determine the role of this variant in disease. Therefore, it has been classified as a Variant of Uncertain Significance. Advanced modeling of protein sequence and biophysical properties (such as structural, functional, and spatial information, amino acid conservation, physicochemical variation, residue mobility, and thermodynamic stability) performed at Invitae indicates that this missense variant is not expected to disrupt PLG protein function. This sequence change replaces alanine, which is neutral and non-polar, with threonine, which is neutral and polar, at codon 77 of the PLG protein (p.Ala77Thr). This variant is present in population databases (rs781084043, gnomAD 0.04%). This variant has not been reported in the literature in individuals affected with PLG-related conditions. ClinVar contains an entry for this variant (Variation ID: 1933659).

NM_000301.5(PLG):c.229G>A (p.Ala77Thr)

Gene: PLG (plasminogen; plus strand). Cytogenetic location: 6q26.
Variant type: single nucleotide variant.
Coding change: c.229G>A on transcript NM_000301.5 (MANE Select); coding-DNA position 229, G replaced by A.
Protein change: p.Ala77Thr; replaces alanine 77 with threonine.
Molecular consequence: missense variant.
Genome position (GRCh38, 1-based): chr6:160,707,743, G>A. VCF-style: chr6-160707743-G-A. GRCh37 (hg19) VCF-style: chr6-161128775-G-A.
Other names: c.229G>A, p.Ala77Thr (NM_001168338.1); short protein forms A77T.
Identifiers: ClinVar variation 1933659 (VCV001933659.6), dbSNP rs781084043, ClinGen allele CA4087357.